The following is an entry in ClinVar:

NM_001367534.1(CAMK2G):c.868T>C (p.Cys290Arg)

Gene: CAMK2G (calcium/calmodulin dependent protein kinase II gamma; minus strand). Cytogenetic location: 10q22.2.
Variant type: single nucleotide variant.
Coding change: c.868T>C on transcript NM_001367534.1 (MANE Select); coding-DNA position 868, T replaced by C.
Protein change: p.Cys290Arg; replaces cysteine 290 with arginine.
Molecular consequence: missense variant. On other transcripts: non-coding transcript variant (8).
Genome position (GRCh38, 1-based): chr10:73,842,493, A>G on the plus strand (T>C on the coding strand, the complement: CAMK2G is on the minus strand). VCF-style: chr10-73842493-A-G. GRCh37 (hg19) VCF-style: chr10-75602251-A-G.
Other names: c.868T>C, p.Cys290Arg (NM_001204492.2, NM_001222.4, NM_001320898.2 and 28 more transcripts); c.844T>C, p.Cys282Arg (NM_001367514.1, NM_001367525.1, NM_001367532.1); c.622T>C, p.Cys208Arg (NM_001367524.1, NM_001367539.1); c.556T>C, p.Cys186Arg (NM_001367537.1, NM_001367538.1); c.202T>C, p.Cys68Arg (NM_001367540.1); c.115T>C, p.Cys39Arg (NM_001367542.1); short protein forms C186R, C208R, C282R, C290R, C39R, C68R.
Identifiers: ClinVar variation 1687265 (VCV001687265.1), dbSNP rs2134435974, ClinGen allele CA377244944.

ClinVar aggregate classification (germline): Uncertain significance (1 of 4 stars; one submission).

Conditions:
Intellectual developmental disorder 59. Also called: INTELLECTUAL DEVELOPMENTAL DISORDER, AUTOSOMAL DOMINANT 59; MENTAL RETARDATION, AUTOSOMAL DOMINANT 59. Identifiers: MedGen C5193190, MONDO:0032795, OMIM 618522.

Submission:

3billion
Classification: Uncertain significance for Intellectual developmental disorder 59. Last evaluated: 2022-05-22. Review status: criteria provided, single submitter. Criteria: ACMG Guidelines, 2015. Collection method: clinical testing. Allele origin: germline. Affected: yes. Observed: 1 heterozygote.
Comment: The variant is not observed in the gnomAD v2.1.1 dataset. Missense changes are a common disease-causing mechanism. In silico tool predictions suggest damaging effect of the variant on gene or gene product (REVEL: 0.57; 3Cnet: 0.91). Therefore, this variant is classified as uncertain significanceaccording to the recommendation of ACMG/AMP guideline.